The following is an entry in ClinVar:

ClinVar aggregate classification (germline): Likely pathogenic. Review status: criteria provided, multiple submitters, no conflicts (2 of 4 stars). 2 submissions from 2 submitters: Likely pathogenic (2). Last evaluated 2022-12-19.

Conditions:
Familial cancer of breast. Also called: hereditary breast carcinoma; BREAST CANCER, FAMILIAL; Hereditary breast cancer. Identifiers: Orphanet 227535, MedGen C0346153, MONDO:0016419, OMIM 114480. Disease mechanism: loss of function.
Hereditary cancer-predisposing syndrome. Also called: Hereditary neoplastic syndrome; Hereditary Cancer Syndrome; Tumor predisposition; Neoplastic Syndromes, Hereditary. Identifiers: Orphanet 140162, MedGen C0027672, MeSH D009386, MONDO:0015356.

Submissions (2):

Ambry Genetics
Classification: Likely pathogenic for Hereditary cancer-predisposing syndrome. Last evaluated: 2022-12-19. Review status: criteria provided, single submitter. Criteria: Ambry Variant Classification Scheme 2023. Collection method: clinical testing. Allele origin: germline.
Comment: The c.683+2T>A intronic variant results from a T to A substitution two nucleotides after coding exon 4 in the CHEK2 gene. This nucleotide position is highly conserved in available vertebrate species. In silico splice site analysis predicts that this alteration will weaken the native splice donor site; however, direct evidence is insufficient at this time (Ambry internal data). This variant is considered to be rare based on population cohorts in the Genome Aggregation Database (gnomAD). Alterations that disrupt the canonical splice site are expected to cause aberrant splicing, resulting in an abnormal protein or a transcript that is subject to nonsense-mediated mRNA decay. As such, this alteration is classified as likely pathogenic.

Labcorp Genetics (formerly Invitae), Labcorp
Classification: Likely pathogenic for Familial cancer of breast. Last evaluated: 2022-02-20. Review status: criteria provided, single submitter. Criteria: Invitae Variant Classification Sherloc (09022015). Collection method: clinical testing. Allele origin: germline.
Comment: In summary, the currently available evidence indicates that the variant is pathogenic, but additional data are needed to prove that conclusively. Therefore, this variant has been classified as Likely Pathogenic. Algorithms developed to predict the effect of sequence changes on RNA splicing suggest that this variant may disrupt the consensus splice site. This variant has not been reported in the literature in individuals affected with CHEK2-related conditions. This variant is not present in population databases (gnomAD no frequency). This sequence change affects a donor splice site in intron 5 of the CHEK2 gene. It is expected to disrupt RNA splicing. Variants that disrupt the donor or acceptor splice site typically lead to a loss of protein function (PMID: 16199547), and loss-of-function variants in CHEK2 are known to be pathogenic (PMID: 21876083, 24713400).

Literature cited by the submitters: PubMed 16199547 (cited by Labcorp Genetics (formerly Invitae), Labcorp); PubMed 21876083 (cited by Labcorp Genetics (formerly Invitae), Labcorp); PubMed 24713400 (cited by Labcorp Genetics (formerly Invitae), Labcorp).

NM_007194.4(CHEK2):c.683+2T>A

Gene: CHEK2 (checkpoint kinase 2; minus strand). Cytogenetic location: 22q12.1.
Variant type: single nucleotide variant.
Coding change: c.683+2T>A on transcript NM_007194.4 (MANE Select); the canonical splice donor site of the intron after coding-DNA position 683, T replaced by A.
Molecular consequence: splice donor variant. On other transcripts: intron variant (1).
Genome position (GRCh38, 1-based): chr22:28,719,393, A>T on the plus strand (T>A on the coding strand, the complement: CHEK2 is on the minus strand). VCF-style: chr22-28719393-A-T. GRCh37 (hg19) VCF-style: chr22-29115381-A-T.
Other names: c.20+2T>A (NM_001437942.1, NM_001257387.3); c.482+5493T>A (NM_001349956.3); c.683+2T>A (NM_145862.3); c.776+2T>A (NM_001438295.1, NM_001438293.1); c.812+2T>A (NM_001438294.1, NM_001005735.3).
Identifiers: ClinVar variation 1518366 (VCV001518366.8), dbSNP rs781021132, ClinGen allele CA411104815.